The following is an entry in ClinVar:

ClinVar aggregate classification (germline): Pathogenic/Likely pathogenic. Review status: criteria provided, multiple submitters, no conflicts (2 of 4 stars). 2 submissions from 2 submitters: Pathogenic (1); Likely pathogenic (1). Last evaluated 2025-04-11.

Conditions:
Dilated cardiomyopathy 1G (CMD1G). Identifiers: Orphanet 154, MedGen C1858763, MONDO:0011400, OMIM 604145.
Autosomal recessive limb-girdle muscular dystrophy type 2J (LGMDR10). Also called: MUSCULAR DYSTROPHY, LIMB-GIRDLE, AUTOSOMAL RECESSIVE 10; Limb-girdle muscular dystrophy, type 2J. Identifiers: Orphanet 140922, MedGen C1837342, MONDO:0012127, OMIM 608807.

gnomAD v4.1: 1 of 1,612,702 alleles (0.000062%); highest among the groups gnomAD compares: South Asian, 0.0011%; no homozygotes.

Submissions (2):

Labcorp Genetics (formerly Invitae), Labcorp
Classification: Likely pathogenic for Dilated cardiomyopathy 1G; Autosomal recessive limb-girdle muscular dystrophy type 2J. Last evaluated: 2025-04-11. Review status: criteria provided, single submitter. Criteria: Invitae Variant Classification Sherloc (09022015). Collection method: clinical testing. Allele origin: germline.
Comment: This sequence change creates a premature translational stop signal (p.Ser16367*) in the TTN gene. While this is not anticipated to result in nonsense mediated decay, it is expected to create a truncated TTN protein. This variant is not present in population databases (gnomAD no frequency). This variant has not been reported in the literature in individuals affected with TTN-related conditions. ClinVar contains an entry for this variant (Variation ID: 202373). This variant is located in the A band of TTN (PMID: 25589632). Truncating variants in this region are significantly overrepresented in patients affected with dilated cardiomyopathy (PMID: 25589632). Truncating variants in this region have also been reported in individuals affected with autosomal recessive centronuclear myopathy (PMID: 23975875). In summary, the currently available evidence indicates that the variant is pathogenic, but additional data are needed to prove that conclusively. Therefore, this variant has been classified as Likely Pathogenic.

GeneDx
Classification: Pathogenic. Last evaluated: 2013-07-19. Review status: criteria provided, single submitter. Criteria: GeneDx Variant Classification (06012015). Collection method: clinical testing. Allele origin: germline. Affected: yes.
Comment: p.Ser14726Stop (TCA>TAA): c.44177 C>A in exon 212 of the TTN gene (NM_001256850.1). The Ser14726Stop mutation in the TTN gene has not been reported previously as a disease-causing mutation or as a benign polymorphism, to our knowledge. Ser14726Stop is predicted to cause loss of normal protein function either due to production of an abnormal, prematurely truncated protein, or by absence of protein product due to nonsense mediated mRNA decay. Other truncating TTN variants have been reported in approximately 3% of control alleles (Herman D et al., 2012). However, Ser14726Stop is located in the A-band region of titin, where the majority of truncating mutations associated with DCM have been reported (Herman D et al., 2012). Furthermore, Ser14726Stop was not observed in approximately 6000 individuals of European and African American ancestry in the NHLBI Exome Sequencing Project, indicating it is not a common benign variant in these populations.In summary, Ser14726Stop in the TTN gene is interpreted as a disease-causing mutation. The variant is found in DCM panel(s).

Literature cited by the submitters: PubMed 25589632 (cited by Labcorp Genetics (formerly Invitae), Labcorp); PubMed 23975875 (cited by Labcorp Genetics (formerly Invitae), Labcorp).

NM_001267550.2(TTN):c.49100C>A (p.Ser16367Ter)

Genes: TTN (titin; minus strand), TTN-AS1 (TTN antisense RNA 1; plus strand), LOC126806426 (BRD4-independent group 4 enhancer GRCh37_chr2:179478848-179480047; plus strand). Cytogenetic location: 2q31.2.
Variant type: single nucleotide variant.
Coding change: c.49100C>A on transcript NM_001267550.2 (MANE Select); coding-DNA position 49100, C replaced by A.
Protein change: p.Ser16367Ter; replaces serine 16367 with a stop codon.
Molecular consequence: nonsense. On other transcripts: non-coding transcript variant (1).
Genome position (GRCh38, 1-based): chr2:178,614,297, G>T on the plus strand (C>A on the coding strand, the complement: TTN is on the minus strand). VCF-style: chr2-178614297-G-T. GRCh37 (hg19) VCF-style: chr2-179479024-G-T.
Other names: p.S14726*:TCA>TAA; c.44177C>A, p.Ser14726Ter (NM_001256850.1); c.21905C>A, p.Ser7302Ter (NM_003319.4); c.41396C>A, p.Ser13799Ter (NM_133378.4); c.22280C>A, p.Ser7427Ter (NM_133432.3); c.22481C>A, p.Ser7494Ter (NM_133437.4); short protein forms S14726*, S16367*, S13799*, S7427*, S7494*, S7302*.
Identifiers: ClinVar variation 202373 (VCV000202373.5), dbSNP rs794729262, ClinGen allele CA309228.